The following is an entry in ClinVar:

ClinVar aggregate classification (germline): Conflicting classifications of pathogenicity. Review status: criteria provided, conflicting classifications (1 of 4 stars). 12 submissions from 12 submitters: Uncertain significance (4); Benign (3); Likely benign (4). 1 of the submissions does not count toward it. Last evaluated 2026-01-05.

Conditions:
SLC25A22-related disorder. Also called: SLC25A22-related condition.
Early-infantile DEE. Also called: Early infantile epileptic encephalopathy; Early infantile epileptic encephalopathy with suppression bursts; Ohtahara syndrome. Identifiers: Orphanet 1934, MedGen C0393706, MONDO:0800491.
Inborn genetic diseases. Identifiers: MedGen C0950123, MeSH D030342.
Early Myoclonic Encephalopathy. Identifiers: MedGen C0270855.

Allele frequency attached by ClinVar (database versions not stated): ExAC 0.00066; gnomAD exomes 0.00069 and 0.00208; gnomAD 0.00097 and 0.00103; TOPMed 0.00097; ESP Exome Variant Server 0.00155.
gnomAD v4.1: 3,172 of 1,612,180 alleles (0.2%); highest among the groups gnomAD compares: Non-Finnish European, 0.26%; 3 homozygotes.

Submissions (16):

Labcorp Genetics (formerly Invitae), Labcorp
Classification: Benign for Early-infantile DEE. Last evaluated: 2026-01-05. Review status: criteria provided, single submitter. Criteria: Invitae Variant Classification Sherloc (09022015). Collection method: clinical testing. Allele origin: germline.

Mayo Clinic Laboratories, Mayo Clinic
Classification: Benign. Last evaluated: 2025-03-12. Review status: criteria provided, single submitter. Criteria: ACMG Guidelines, 2015. Collection method: clinical testing. Allele origin: germline. Observed: 1 variant allele.
Comment: BS1, BS2, BP4, BP7

Blueprint Genetics
Classification: Likely benign. Last evaluated: 2024-10-25. Review status: criteria provided, single submitter. Criteria: ACMG Guidelines, 2015. Collection method: clinical testing. Allele origin: germline.

CeGaT Center for Human Genetics Tuebingen
Classification: Likely benign. Last evaluated: 2024-09-01. Review status: criteria provided, single submitter. Criteria: CeGaT Center For Human Genetics Tuebingen Variant Classification Criteria Version 2. Collection method: clinical testing. Allele origin: germline. Affected: yes. Observed: 2 variant alleles.
Comment: SLC25A22: BP4, BP7

Ambry Genetics
Classification: Likely benign for Inborn genetic diseases. Last evaluated: 2018-05-15. Review status: criteria provided, single submitter. Criteria: Ambry Variant Classification Scheme 2023. Collection method: clinical testing. Allele origin: germline.

Athena Diagnostics
Classification: Uncertain significance. Last evaluated: 2018-05-01. Review status: criteria provided, single submitter. Criteria: Athena Diagnostics Criteria. Collection method: clinical testing. Allele origin: germline.

ARUP Laboratories, Molecular Genetics and Genomics, ARUP Laboratories
Classification: Likely benign. Last evaluated: 2018-04-06. Review status: criteria provided, single submitter. Criteria: ARUP Molecular Germline Variant Investigation Process. Collection method: clinical testing. Allele origin: germline.
Comment: The c.585C>T; p.Leu195Leu variant (rs147840220, ClinVar variant ID 139140) does not alter the amino acid sequence of the SLC25A22 protein and computational splice site prediction algorithms do not predict a change in the nearest splice site or creation of a cryptic splice site. This variant has not been reported in association with mitochondrial disease in medical literature or in gene specific variation databases. This variant is listed in the genome Aggregation Database (gnomAD) with a non-Finnish European population frequency of 0.1% (identified on 172 out of 122,410 chromosomes). Based on the available information, the c.585C>T variant is likely to be benign.

Illumina Laboratory Services, Illumina
Classification: Uncertain significance for Developmental and epileptic encephalopathy, 3. Last evaluated: 2018-01-12. Review status: criteria provided, single submitter. Criteria: ICSL Variant Classification Criteria 13 December 2019. Collection method: clinical testing. Allele origin: germline.

Genetic Services Laboratory, University of Chicago
Classification: Uncertain significance. Last evaluated: 2015-04-06. Review status: criteria provided, single submitter. Criteria: ACMG Guidelines, 2015. Collection method: clinical testing. Allele origin: germline.

Eurofins Ntd Llc (ga)
Classification: Uncertain significance. Last evaluated: 2015-01-20. Review status: criteria provided, single submitter. Criteria: EGL Classification Definitions 2015. Collection method: clinical testing. Allele origin: germline. Observed: 2 variant alleles, 2 heterozygotes.

GeneDx
Classification: Benign. Last evaluated: 2013-07-09. Review status: criteria provided, single submitter. Criteria: GeneDx Variant Classification (06012015). Collection method: clinical testing. Allele origin: germline. Affected: yes.
Comment: This variant is considered likely benign or benign based on one or more of the following criteria: it is a conservative change, it occurs at a poorly conserved position in the protein, it is predicted to be benign by multiple in silico algorithms, and/or has population frequency not consistent with disease.

PreventionGenetics, part of Exact Sciences
Classification: Likely benign for SLC25A22-related condition. Last evaluated: 2021-04-20. Review status: no assertion criteria provided. Collection method: clinical testing. Allele origin: germline. Not counted in ClinVar's aggregate classification.
Comment: This variant is classified as likely benign based on ACMG/AMP sequence variant interpretation guidelines (Richards et al. 2015 PMID: 25741868, with internal and published modifications).

Dr. Peter K. Rogan Lab, Western University
No classification provided (evidence only). Condition: Lung cancer. Review status: no classification provided. Collection method: in vitro. Allele origin: not applicable. Functional consequence: retained intron. Not counted in ClinVar's aggregate classification.

Dr. Peter K. Rogan Lab, Western University
No classification provided (evidence only). Condition: Lung cancer. Review status: no classification provided. Collection method: in vitro. Allele origin: not applicable. Functional consequence: retained intron. Not counted in ClinVar's aggregate classification.

Dr. Peter K. Rogan Lab, Western University
No classification provided (evidence only). Condition: Uterine corpus endometrial carcinoma. Review status: no classification provided. Collection method: in vitro. Allele origin: not applicable. Functional consequence: retained intron. Not counted in ClinVar's aggregate classification.

Dr. Peter K. Rogan Lab, Western University
No classification provided (evidence only). Condition: Cervical cancer. Review status: no classification provided. Collection method: in vitro. Allele origin: not applicable. Functional consequence: retained intron. Not counted in ClinVar's aggregate classification.

Literature cited by the submitters: PubMed 27843123 (cited by Athena Diagnostics).

NM_001191061.2(SLC25A22):c.585C>T (p.Leu195=)

Gene: SLC25A22 (solute carrier family 25 member 22; minus strand). Cytogenetic location: 11p15.5.
Variant type: single nucleotide variant.
Coding change: c.585C>T on transcript NM_001191061.2 (MANE Select); coding-DNA position 585, C replaced by T.
Protein change: p.Leu195=; no amino-acid change (leucine 195 retained).
Molecular consequence: synonymous variant.
Genome position (GRCh38, 1-based): chr11:792,555, G>A on the plus strand (C>T on the coding strand, the complement: SLC25A22 is on the minus strand). VCF-style: chr11-792555-G-A. GRCh37 (hg19) VCF-style: chr11-792555-G-A.
Other names: p.L195L:CTC>CTT; p.Leu195=; c.585C>T, p.Leu195= (NM_001191060.2, NM_024698.6); c.585C>T (NM_001191060.1).
Identifiers: ClinVar variation 139140 (VCV000139140.68), dbSNP rs147840220, ClinGen allele CA232578.